The following is an entry in ClinVar:

ClinVar aggregate classification (germline): Uncertain significance. Review status: criteria provided, multiple submitters, no conflicts (2 of 4 stars). 2 submissions from 2 submitters: Uncertain significance (2). Last evaluated 2025-08-22.

Conditions:
Inborn genetic diseases. Identifiers: MedGen C0950123, MeSH D030342.

Allele frequency attached by ClinVar (database versions not stated): TOPMed below 0.00001; gnomAD 0.00001.
gnomAD v4.1: 15 of 1,606,738 alleles (0.00093%); highest among the groups gnomAD compares: Admixed American, 0.0017%; no homozygotes.

Submissions (2):

Ambry Genetics
Classification: Uncertain significance for Inborn genetic diseases. Last evaluated: 2025-08-22. Review status: criteria provided, single submitter. Criteria: Ambry Variant Classification Scheme 2023. Collection method: clinical testing. Allele origin: germline.

Labcorp Genetics (formerly Invitae), Labcorp
Classification: Uncertain significance. Last evaluated: 2022-03-12. Review status: criteria provided, single submitter. Criteria: Invitae Variant Classification Sherloc (09022015). Collection method: clinical testing. Allele origin: germline.
Comment: This variant has not been reported in the literature in individuals affected with SPEG-related conditions. In summary, the available evidence is currently insufficient to determine the role of this variant in disease. Therefore, it has been classified as a Variant of Uncertain Significance. Algorithms developed to predict the effect of missense changes on protein structure and function are either unavailable or do not agree on the potential impact of this missense change (SIFT: "Tolerated"; PolyPhen-2: "Possibly Damaging"; Align-GVGD: "Class C0"). This variant is present in population databases (no rsID available, gnomAD 0.003%). This sequence change replaces glutamic acid, which is acidic and polar, with lysine, which is basic and polar, at codon 1942 of the SPEG protein (p.Glu1942Lys).

NM_005876.5(SPEG):c.5824G>A (p.Glu1942Lys)

Genes: ASIC4-AS1 (ASIC4 antisense RNA 1; minus strand), SPEG (striated muscle enriched protein kinase; plus strand). Cytogenetic location: 2q35.
Variant type: single nucleotide variant.
Coding change: c.5824G>A on transcript NM_005876.5 (MANE Select); coding-DNA position 5824, G replaced by A.
Protein change: p.Glu1942Lys; replaces glutamic acid 1942 with lysine.
Molecular consequence: missense variant.
Genome position (GRCh38, 1-based): chr2:219,483,287, G>A. VCF-style: chr2-219483287-G-A. GRCh37 (hg19) VCF-style: chr2-220348009-G-A.
Other names: c.5824G>A (NM_005876.4); short protein forms E1942K.
Identifiers: ClinVar variation 2075452 (VCV002075452.3), dbSNP rs1405486070, ClinGen allele CA350693799.
Genomic context (GRCh38, chr2:219,483,287, plus strand): 5'-TCGGATTCTGAAGAGGAAGAGCTGGAAGAGCTGCCCTCAGTGCCCCGCCCACTGCAGCCC[G>A]AGTTCTCTGGCTCCCGGGTGTCCCTCACAGACATTCCCACTGAGGATGAGGCCCTGGGGA-3'
Protein context (NP_005867.3, residues 1932-1952): LPSVPRPLQP[Glu1942Lys]FSGSRVSLTD